The following is an entry in ClinVar:

NM_006206.6(PDGFRA):c.1426A>C (p.Ile476Leu)

Gene: PDGFRA (platelet derived growth factor receptor alpha; plus strand). Cytogenetic location: 4q12.
Variant type: single nucleotide variant.
Coding change: c.1426A>C on transcript NM_006206.6 (MANE Select); coding-DNA position 1426, A replaced by C.
Protein change: p.Ile476Leu; replaces isoleucine 476 with leucine.
Molecular consequence: missense variant.
Genome position (GRCh38, 1-based): chr4:54,273,598, A>C. VCF-style: chr4-54273598-A-C. GRCh37 (hg19) VCF-style: chr4-55139765-A-C.
Other names: c.1426A>C, p.Ile476Leu (NM_001347827.2, NM_001347829.2); c.1501A>C, p.Ile501Leu (NM_001347828.2); c.1465A>C, p.Ile489Leu (NM_001347830.2); short protein forms I476L, I489L, I501L.
Identifiers: ClinVar variation 651883 (VCV000651883.12), dbSNP rs1329845160, ClinGen allele CA356892544.

ClinVar aggregate classification (germline): Uncertain significance. Review status: criteria provided, multiple submitters, no conflicts (2 of 4 stars). 2 submissions from 2 submitters: Uncertain significance (2). Last evaluated 2025-03-21.

Conditions:
Hereditary cancer-predisposing syndrome. Also called: Neoplastic Syndromes, Hereditary; Tumor predisposition; Hereditary Cancer Syndrome; Hereditary neoplastic syndrome. Identifiers: Orphanet 140162, MedGen C0027672, MeSH D009386, MONDO:0015356.
Gastrointestinal stromal tumor. Also called: Gastrointestinal stromal tumor, somatic; Gastrointestinal stroma tumor. Identifiers: Orphanet 44890, MedGen C0238198, MeSH D046152, MONDO:0011719, OMIM 606764, HP:0100723.

Allele frequency attached by ClinVar (database versions not stated): gnomAD 0.00001; TOPMed 0.00001.
gnomAD v4.1: 46 of 1,613,956 alleles (0.0029%); highest among the groups gnomAD compares: Non-Finnish European, 0.0039%; no homozygotes.

Submissions (2):

Labcorp Genetics (formerly Invitae), Labcorp
Classification: Uncertain significance for Gastrointestinal stromal tumor. Last evaluated: 2025-03-21. Review status: criteria provided, single submitter. Criteria: Invitae Variant Classification Sherloc (09022015). Collection method: clinical testing. Allele origin: germline.
Comment: This sequence change replaces isoleucine, which is neutral and non-polar, with leucine, which is neutral and non-polar, at codon 476 of the PDGFRA protein (p.Ile476Leu). This variant is not present in population databases (gnomAD no frequency). This variant has not been reported in the literature in individuals affected with PDGFRA-related conditions. ClinVar contains an entry for this variant (Variation ID: 651883). An algorithm developed to predict the effect of missense changes on protein structure and function outputs the following: PolyPhen-2: "Benign". The leucine amino acid residue is found in multiple mammalian species, which suggests that this missense change does not adversely affect protein function. In summary, the available evidence is currently insufficient to determine the role of this variant in disease. Therefore, it has been classified as a Variant of Uncertain Significance.

Ambry Genetics
Classification: Uncertain significance for Hereditary cancer-predisposing syndrome. Last evaluated: 2025-01-17. Review status: criteria provided, single submitter. Criteria: Ambry Variant Classification Scheme 2023. Collection method: clinical testing. Allele origin: germline.
Comment: The p.I476L variant (also known as c.1426A>C), located in coding exon 9 of the PDGFRA gene, results from an A to C substitution at nucleotide position 1426. The isoleucine at codon 476 is replaced by leucine, an amino acid with highly similar properties. This amino acid position is poorly conserved in available vertebrate species. In addition, this alteration is predicted to be tolerated by in silico analysis. Since supporting evidence is limited at this time, the clinical significance of this alteration remains unclear.